The following is an entry in ClinVar:

NM_000203.5(IDUA):c.299+7G>A

Genes: IDUA (alpha-L-iduronidase; plus strand), SLC26A1 (solute carrier family 26 member 1; minus strand). Cytogenetic location: 4p16.3.
Variant type: single nucleotide variant.
Coding change: c.299+7G>A on transcript NM_000203.5 (MANE Select); 7 bases into the intron after coding-DNA position 299, G replaced by A.
Molecular consequence: intron variant. On other transcripts: 3 prime UTR variant (2).
Genome position (GRCh38, 1-based): chr4:987,956, G>A. VCF-style: chr4-987956-G-A. GRCh37 (hg19) VCF-style: chr4-981744-G-A.
Other names: p.?; c.576+3172C>T (NM_134425.4); c.*877C>T (NM_022042.4, NM_213613.4).
Identifiers: ClinVar variation 283485 (VCV000283485.48), dbSNP rs200911718, ClinGen allele CA2801161.

ClinVar aggregate classification (germline): Benign/Likely benign. Review status: criteria provided, multiple submitters, no conflicts (2 of 4 stars). 7 submissions from 7 submitters: Benign (2); Likely benign (4). 1 of the submissions does not count toward it. Last evaluated 2026-08-01.

Conditions:
Mucopolysaccharidosis type 1. Also called: Mucopolysaccharidosis Type I; IDUA deficiency; MPS I. Identifiers: Orphanet 579, MedGen C0023786, MONDO:0001586.
Hereditary disease. Also called: Hereditary Disorder; mendelian disease. Identifiers: MedGen C0019247, MONDO:0003847.

Allele frequency attached by ClinVar (database versions not stated): 1000 Genomes Project 30x 0.00078; 1000 Genomes Project 0.00100; gnomAD exomes 0.00266; gnomAD 0.00270 and 0.00276; TOPMed 0.00324; ESP Exome Variant Server 0.00367; ExAC 0.00399.
gnomAD v4.1: 6,760 of 1,565,320 alleles (0.43%); highest among the groups gnomAD compares: Non-Finnish European, 0.53%; 32 homozygotes.

Submissions (7):

CeGaT Center for Human Genetics Tuebingen
Classification: Likely benign. Last evaluated: 2026-08-01. Review status: criteria provided, single submitter. Criteria: CeGaT Center For Human Genetics Tuebingen Variant Classification Criteria Version 2. Collection method: clinical testing. Allele origin: germline. Affected: yes. Observed: 9 variant alleles.
Comment: IDUA: BP4, BS2; SLC26A1: BS2

Labcorp Genetics (formerly Invitae), Labcorp
Classification: Benign for Mucopolysaccharidosis type 1. Last evaluated: 2026-02-02. Review status: criteria provided, single submitter. Criteria: Invitae Variant Classification Sherloc (09022015). Collection method: clinical testing. Allele origin: germline.

Mayo Clinic Laboratories, Mayo Clinic
Classification: Likely benign. Last evaluated: 2025-06-05. Review status: criteria provided, single submitter. Criteria: ACMG Guidelines, 2015. Collection method: clinical testing. Allele origin: germline. Observed: 7 variant alleles.
Comment: BS1, BS2

Blueprint Genetics
Classification: Likely benign. Last evaluated: 2024-11-26. Review status: criteria provided, single submitter. Criteria: ACMG Guidelines, 2015. Collection method: clinical testing. Allele origin: germline.

Women's Health and Genetics/Laboratory Corporation of America, LabCorp
Classification: Benign. Last evaluated: 2021-07-27. Review status: criteria provided, single submitter. Criteria: LabCorp Variant Classification Summary - May 2015. Collection method: clinical testing. Allele origin: germline.
Comment: Variant summary: IDUA c.299+7G>A alters a non-conserved nucleotide located close to a canonical splice site and therefore could affect mRNA splicing, leading to a significantly altered protein sequence. 4/4 computational tools predict no significant impact on normal splicing. However, these predictions have yet to be confirmed by functional studies. The variant allele was found at a frequency of 0.0027 in 169908 control chromosomes, predominantly at a frequency of 0.0048 within the Non-Finnish European subpopulation in the gnomAD database, including 1 homozygote. The observed variant frequency within Non-Finnish European control individuals in the gnomAD database is approximately 1.78 fold of the estimated maximal expected allele frequency for a pathogenic variant in IDUA causing Mucopolysaccharidosis Type 1 phenotype (0.0027), strongly suggesting that the variant is a benign polymorphism found primarily in populations of Non-Finnish European origin. To our knowledge, no occurrence of c.299+7G>A in individuals affected with Mucopolysaccharidosis Type 1 and no experimental evidence demonstrating its impact on protein function have been reported. Four clinical diagnostic laboratories have submitted clinical-significance assessments for this variant to ClinVar after 2014 without evidence for independent evaluation (benign, n=1; likely benign, n=2, VUS, n=1). Based on the evidence outlined above, the variant was classified as benign.

Eurofins Ntd Llc (ga)
Classification: Likely benign. Last evaluated: 2015-09-21. Review status: criteria provided, single submitter. Criteria: EGL Classification Definitions 2015. Collection method: clinical testing. Allele origin: germline. Observed: 1 variant allele, 1 heterozygote.

Natera, Inc.
Classification: Likely benign for Hereditary Disorder. Last evaluated: 2020-05-01. Review status: no assertion criteria provided. Collection method: clinical testing. Allele origin: germline. Not counted in ClinVar's aggregate classification.

Literature cited by the submitters: PubMed 21394825 (cited by Mayo Clinic Laboratories, Mayo Clinic).